The following is an entry in ClinVar:

ClinVar aggregate classification (germline): Likely benign. Review status: criteria provided, multiple submitters, no conflicts (2 of 4 stars). 5 submissions from 5 submitters: Likely benign (5). Last evaluated 2025-03-31.

Conditions:
CACNA1H-related disorder.
Hyperaldosteronism, familial, type IV (HALD4). Also called: FH IV; ALDOSTERONISM, PRIMARY, AND HYPERTENSION. Identifiers: Orphanet 642671, MedGen C4310756, MONDO:0014875, OMIM 617027.
Idiopathic generalized epilepsy. Also called: Generalised epilepsy; EIG. Identifiers: MedGen C0270850, MONDO:0005579, OMIM 600669.
Inborn genetic diseases. Identifiers: MedGen C0950123, MeSH D030342.

Allele frequency attached by ClinVar (database versions not stated): gnomAD 0.00007 and 0.00008; TOPMed 0.00008; ExAC 0.00011.

Submissions (5):

Labcorp Genetics (formerly Invitae), Labcorp
Classification: Likely benign for Idiopathic generalized epilepsy; Hyperaldosteronism, familial, type IV. Last evaluated: 2025-03-31. Review status: criteria provided, single submitter. Criteria: Invitae Variant Classification Sherloc (09022015). Collection method: clinical testing. Allele origin: germline.

PreventionGenetics, part of Exact Sciences
Classification: Likely benign for CACNA1H-related condition. Last evaluated: 2025-03-26. Review status: criteria provided, single submitter. Criteria: ACMG Guidelines, 2015. Collection method: clinical testing. Allele origin: germline.
Comment: This variant is classified as likely benign based on ACMG/AMP sequence variant interpretation guidelines (Richards et al. 2015 PMID: 25741868, with internal and published modifications).

Blueprint Genetics
Classification: Likely benign. Last evaluated: 2024-02-05. Review status: criteria provided, single submitter. Criteria: ACMG Guidelines, 2015. Collection method: clinical testing. Allele origin: germline.

Ambry Genetics
Classification: Likely benign for Inborn genetic diseases. Last evaluated: 2019-07-22. Review status: criteria provided, single submitter. Criteria: Ambry Variant Classification Scheme 2023. Collection method: clinical testing. Allele origin: germline.

Breakthrough Genomics
Classification: Likely benign. Review status: criteria provided, single submitter. Criteria: ACMG Guidelines, 2015. Collection method: not provided. Allele origin: germline. Inheritance: Autosomal dominant inheritance. Affected: yes.

NM_021098.3(CACNA1H):c.2937C>G (p.Val979=)

Gene: CACNA1H (calcium voltage-gated channel subunit alpha1 H; plus strand). Cytogenetic location: 16p13.3.
Variant type: single nucleotide variant.
Coding change: c.2937C>G on transcript NM_021098.3 (MANE Select); coding-DNA position 2937, C replaced by G.
Protein change: p.Val979=; no amino-acid change (valine 979 retained).
Molecular consequence: synonymous variant.
Genome position (GRCh38, 1-based): chr16:1,207,304, C>G. VCF-style: chr16-1207304-C-G. GRCh37 (hg19) VCF-style: chr16-1257304-C-G.
Other names: c.2937C>G, p.Val979= (NM_001005407.2).
Identifiers: ClinVar variation 739719 (VCV000739719.15), dbSNP rs770074317, ClinGen allele CA7800521.